The following is an entry in ClinVar:

ClinVar aggregate classification (germline): Conflicting classifications of pathogenicity. Review status: criteria provided, conflicting classifications (1 of 4 stars). 6 submissions from 6 submitters: Uncertain significance (5); Benign (1). Last evaluated 2026-03-24.

Conditions:
COL5A1-related disorder. Also called: COL5A1-related condition.
Ehlers-Danlos syndrome, classic type, 1 (EDSCL1). Also called: Ehlers-Danlos syndrome, type 1; Ehlers-Danlos Syndrome, Classic Type, COL5A1-Related; EDS I; EHLERS-DANLOS SYNDROME, GRAVIS TYPE; EHLERS-DANLOS SYNDROME, SEVERE CLASSIC TYPE. Identifiers: MedGen C0268335, MONDO:0019567, OMIM 130000.
Familial thoracic aortic aneurysm and aortic dissection (TAAD). Also called: Thoracic aortic aneurysms and dissections. Identifiers: Orphanet 91387, MedGen C4707243, MONDO:0019625.

Allele frequency attached by ClinVar (database versions not stated): ExAC 0.00002.
gnomAD v4.1: 92 of 1,614,082 alleles (0.0057%); highest among the groups gnomAD compares: Non-Finnish European, 0.0074%; no homozygotes.

Submissions (6):

PreventionGenetics, part of Exact Sciences
Classification: Uncertain significance for COL5A1-related condition. Last evaluated: 2026-03-24. Review status: criteria provided, single submitter. Criteria: ACMG Guidelines, 2015. Collection method: clinical testing. Allele origin: germline.
Comment: The COL5A1 c.5468C>T variant is predicted to result in the amino acid substitution p.Ala1823Val. This variant has been observed in two individuals from a cohort of adult patients with non-syndromic thoracic aortic aneurysm (Chen et al. 2024. PubMed ID: 38958128). This variant is reported in 0.0054% of alleles in individuals of East Asian descent in gnomAD. At this time, the clinical significance of this variant is uncertain due to the absence of conclusive functional and genetic evidence.

Labcorp Genetics (formerly Invitae), Labcorp
Classification: Benign for Ehlers-Danlos syndrome, classic type, 1. Last evaluated: 2025-11-24. Review status: criteria provided, single submitter. Criteria: Invitae Variant Classification Sherloc (09022015). Collection method: clinical testing. Allele origin: germline.

Women's Health and Genetics/Laboratory Corporation of America, LabCorp
Classification: Uncertain significance. Last evaluated: 2025-09-15. Review status: criteria provided, single submitter. Criteria: LabCorp Variant Classification Summary - May 2015. Collection method: clinical testing. Allele origin: germline.
Comment: Variant summary: COL5A1 c.5468C>T (p.Ala1823Val) results in a non-conservative amino acid change in the encoded protein sequence. Algorithms developed to predict the effect of missense changes on protein structure and function are either unavailable or do not agree on the potential impact of this missense change. The variant allele was found at a frequency of 2e-05 in 251376 control chromosomes, predominantly at a frequency of 5.4e-05 within the East Asian subpopulation in the gnomAD database v2 and a total of 92 heterozygotes in gnomAD v4 were reported. The available data on variant occurrences in the general population are insufficient to allow any conclusion about variant significance. To our knowledge, no occurrence of c.5468C>T in individuals affected with COL5A1-related conditions and no experimental evidence demonstrating its impact on protein function have been reported. ClinVar contains an entry for this variant (Variation ID: 213002). Based on the evidence outlined above, the variant was classified as VUS-possibly benign.

GeneDx
Classification: Uncertain significance. Last evaluated: 2024-07-12. Review status: criteria provided, single submitter. Criteria: GeneDx Variant Classification Process June 2021. Collection method: clinical testing. Allele origin: germline. Affected: yes.
Comment: Not observed at a significant frequency in large population cohorts (gnomAD); Not located in the triple helical region, where the majority of pathogenic missense variants occur (PMID: 22696272; HGMD); In silico analysis supports that this missense variant does not alter protein structure/function; Has not been previously published as pathogenic or benign to our knowledge; This variant is associated with the following publications: (PMID: 22696272)

Blueprint Genetics
Classification: Uncertain significance. Last evaluated: 2022-08-30. Review status: criteria provided, single submitter. Criteria: ACMG Guidelines, 2015. Collection method: clinical testing. Allele origin: germline.

Ambry Genetics
Classification: Uncertain significance for Familial thoracic aortic aneurysm and aortic dissection. Last evaluated: 2022-08-29. Review status: criteria provided, single submitter. Criteria: Ambry Variant Classification Scheme 2023. Collection method: clinical testing. Allele origin: germline.
Comment: The p.A1823V variant (also known as c.5468C>T), located in coding exon 66 of the COL5A1 gene, results from a C to T substitution at nucleotide position 5468. The alanine at codon 1823 is replaced by valine, an amino acid with similar properties. This amino acid position is not well conserved in available vertebrate species. In addition, this alteration is predicted to be tolerated by in silico analysis. Since supporting evidence is limited at this time, the clinical significance of this alteration remains unclear.

NM_000093.5(COL5A1):c.5468C>T (p.Ala1823Val)

Genes: COL5A1 (collagen type V alpha 1 chain; plus strand), LOC101448202 (uncharacterized LOC101448202; minus strand). Cytogenetic location: 9q34.3.
Variant type: single nucleotide variant.
Coding change: c.5468C>T on transcript NM_000093.5 (MANE Select); coding-DNA position 5468, C replaced by T.
Protein change: p.Ala1823Val; replaces alanine 1823 with valine.
Molecular consequence: missense variant.
Genome position (GRCh38, 1-based): chr9:134,842,254, C>T. VCF-style: chr9-134842254-C-T. GRCh37 (hg19) VCF-style: chr9-137734100-C-T.
Other names: p.A1823V:GCG>GTG; c.5468C>T, p.Ala1823Val (NM_001278074.1); short protein forms A1823V.
Identifiers: ClinVar variation 213002 (VCV000213002.20), dbSNP rs747656987, ClinGen allele CA321908.